The following is an entry in ClinVar:

NM_014915.3(ANKRD26):c.2524A>G (p.Met842Val)

Gene: ANKRD26 (ankyrin repeat domain 26; minus strand). Cytogenetic location: 10p12.1.
Variant type: single nucleotide variant.
Coding change: c.2524A>G on transcript NM_014915.3 (MANE Select); coding-DNA position 2524, A replaced by G.
Protein change: p.Met842Val; replaces methionine 842 with valine.
Molecular consequence: missense variant.
Genome position (GRCh38, 1-based): chr10:27,037,906, T>C on the plus strand (A>G on the coding strand, the complement: ANKRD26 is on the minus strand). VCF-style: chr10-27037906-T-C. GRCh37 (hg19) VCF-style: chr10-27326835-T-C.
Other names: c.2521A>G, p.Met841Val (NM_001256053.2); short protein forms M842V, M841V.
Identifiers: ClinVar variation 434209 (VCV000434209.11), dbSNP rs766687353, ClinGen allele CA5448209.
Genomic context (GRCh38, chr10:27,037,906, plus strand): 5'-AAATTTTTATCAAAAATTAATTTACCTGATTCAAATTACTTTTTACAGTCCTCAATTCCA[T>C]CTCCAGTGTTTGGAGACTCAGTTCAAGCTGTTGTTTCACTTCAACTTCTTTCCTATATTG-3'
Protein context (NP_055730.2, residues 832-852): QLELSLQTLE[Met842Val]ELRTVKSNLN

ClinVar aggregate classification (germline): Uncertain significance. Review status: criteria provided, multiple submitters, no conflicts (2 of 4 stars). 5 submissions from 5 submitters: Uncertain significance (5). Last evaluated 2026-01-06.

Conditions:
Inborn genetic diseases. Identifiers: MedGen C0950123, MeSH D030342.
Thrombocytopenia 2 (THC2). Also called: ANKRD26-Related Thrombocytopenia. Identifiers: Orphanet 268322, MedGen C1861185, MONDO:0008555, OMIM 188000.

Allele frequency attached by ClinVar (database versions not stated): gnomAD exomes below 0.00001 and 0.00001; ExAC 0.00001; gnomAD 0.00001; TOPMed 0.00001.
gnomAD v4.1: 4 of 1,612,908 alleles (0.00025%); highest among the groups gnomAD compares: Admixed American, 0.0017%; no homozygotes.

Submissions (5):

Labcorp Genetics (formerly Invitae), Labcorp
Classification: Uncertain significance. Last evaluated: 2026-01-06. Review status: criteria provided, single submitter. Criteria: Invitae Variant Classification Sherloc (09022015). Collection method: clinical testing. Allele origin: germline.
Comment: This sequence change replaces methionine, which is neutral and non-polar, with valine, which is neutral and non-polar, at codon 842 of the ANKRD26 protein (p.Met842Val). The frequency data for this variant in the population databases is considered unreliable, as metrics indicate poor data quality at this position in the gnomAD database. This variant has not been reported in the literature in individuals affected with ANKRD26-related conditions. ClinVar contains an entry for this variant (Variation ID: 434209). An algorithm developed to predict the effect of missense changes on protein structure and function outputs the following: PolyPhen-2: "Benign". The valine amino acid residue is found in multiple mammalian species, which suggests that this missense change does not adversely affect protein function. In summary, the available evidence is currently insufficient to determine the role of this variant in disease. Therefore, it has been classified as a Variant of Uncertain Significance.

St. Jude Molecular Pathology, St. Jude Children's Research Hospital
Classification: Uncertain significance for Thrombocytopenia 2. Last evaluated: 2025-06-17. Review status: criteria provided, single submitter. Criteria: St. Jude Assertion Criteria 2020. Collection method: clinical testing. Allele origin: germline.
Comment: The ANKRD26 c.2524A>G p.(Met842Val) missense change has a maximum subpopulation frequency of 0.003% in gnomAD v2.1.1. This variant is not located in the 5' UTR. The in silico tool REVEL predicts a benign effect on protein function, but to our knowledge this prediction has not been confirmed by functional studies. To our knowledge, this variant has not been reported in individuals with ANKRD26-related thrombocytopenia. In summary, the evidence currently available is insufficient to determine the clinical significance of this variant. It has therefore been classified as of uncertain significance.

Ambry Genetics
Classification: Uncertain significance for Inborn genetic diseases. Last evaluated: 2025-01-03. Review status: criteria provided, single submitter. Criteria: Ambry Variant Classification Scheme 2023. Collection method: clinical testing. Allele origin: germline.
Comment: The p.M842V variant (also known as c.2524A>G), located in coding exon 22 of the ANKRD26 gene, results from an A to G substitution at nucleotide position 2524. The methionine at codon 842 is replaced by valine, an amino acid with highly similar properties. This amino acid position is conserved. In addition, this alteration is predicted to be tolerated by in silico analysis. Based on the available evidence, the clinical significance of this variant remains unclear.

GeneDx
Classification: Uncertain significance. Last evaluated: 2022-11-04. Review status: criteria provided, single submitter. Criteria: GeneDx Variant Classification Process June 2021. Collection method: clinical testing. Allele origin: germline. Affected: yes.
Comment: Not observed at significant frequency in large population cohorts (gnomAD); In silico analysis supports that this missense variant does not alter protein structure/function; Has not been previously published as pathogenic or benign to our knowledge

Genetic Services Laboratory, University of Chicago
Classification: Uncertain significance. Last evaluated: 2015-08-21. Review status: criteria provided, single submitter. Criteria: ACMG Guidelines, 2015. Collection method: clinical testing. Allele origin: germline. Affected: no.